The following is an entry in ClinVar:

ClinVar aggregate classification (germline): Likely pathogenic (1 of 4 stars; one submission).

Conditions:
Hereditary nonpolyposis colorectal neoplasms. Identifiers: MedGen C0009405, MeSH D003123.

Submission:

Labcorp Genetics (formerly Invitae), Labcorp
Classification: Likely pathogenic for Hereditary nonpolyposis colorectal neoplasms. Last evaluated: 2025-09-15. Review status: criteria provided, single submitter. Criteria: Invitae Variant Classification Sherloc (09022015). Collection method: clinical testing. Allele origin: germline.
Comment: This sequence change affects an acceptor splice site in intron 6 of the MSH6 gene. It is expected to disrupt RNA splicing. Variants that disrupt the donor or acceptor splice site typically lead to a loss of protein function (PMID: 16199547), and loss-of-function variants in MSH6 are known to be pathogenic (PMID: 18269114, 24362816). This variant is not present in population databases (gnomAD no frequency). Disruption of this splice site has been observed in individual(s) with clinical features of Lynch syndrome (PMID: 21590452, 32587781; internal data). ClinVar contains an entry for this variant (Variation ID: 2203072). Algorithms developed to predict the effect of sequence changes on RNA splicing suggest that this variant may disrupt the consensus splice site. In summary, the currently available evidence indicates that the variant is pathogenic, but additional data are needed to prove that conclusively. Therefore, this variant has been classified as Likely Pathogenic.

Literature cited by the submitters: PubMed 16199547; PubMed 18269114; PubMed 24362816; PubMed 21590452; PubMed 32587781.

NM_000179.3(MSH6):c.3557-2A>G

Gene: MSH6 (mutS homolog 6; plus strand). Cytogenetic location: 2p16.3.
Variant type: single nucleotide variant.
Coding change: c.3557-2A>G on transcript NM_000179.3 (MANE Select); the canonical splice acceptor site of the intron before coding-DNA position 3557, A replaced by G.
Molecular consequence: splice acceptor variant.
Genome position (GRCh38, 1-based): chr2:47,805,616, A>G. VCF-style: chr2-47805616-A-G. GRCh37 (hg19) VCF-style: chr2-48032755-A-G.
Other names: c.3557-2A>G (NM_001406809.1, NM_001406796.1, NM_001406808.1 and 1 more transcripts); c.2651-2A>G (NM_001406811.1, NM_001406814.1, NM_001281493.2 and 6 more transcripts); c.3260-2A>G (NM_001406805.1, NM_001406797.1, NM_001406801.1 and 10 more transcripts); c.3653-2A>G (NM_001406795.1, NM_001406802.1); c.3563-2A>G (NM_001406813.1); c.3032-2A>G (NM_001406807.1, NM_001406799.1, NM_001406806.1); c.3383-2A>G (NM_001406798.1); c.2693-2A>G (NM_001406803.1); and 7 more.
Identifiers: ClinVar variation 2203072 (VCV002203072.4), dbSNP rs1558390582, ClinGen allele CA346760390.